The following is an entry in ClinVar:

NM_000632.4(ITGAM):c.1390G>A (p.Val464Met)

Gene: ITGAM (integrin subunit alpha M; plus strand). Cytogenetic location: 16p11.2.
Variant type: single nucleotide variant.
Coding change: c.1390G>A on transcript NM_000632.4 (MANE Select); coding-DNA position 1390, G replaced by A.
Protein change: p.Val464Met; replaces valine 464 with methionine.
Molecular consequence: missense variant.
Genome position (GRCh38, 1-based): chr16:31,297,547, G>A. VCF-style: chr16-31297547-G-A. GRCh37 (hg19) VCF-style: chr16-31308868-G-A.
Other names: c.1390G>A, p.Val464Met (NM_001145808.2); c.1390G>A (NM_000632.3); short protein forms V464M.
Identifiers: ClinVar variation 2978456 (VCV002978456.4), dbSNP rs760528465, ClinGen allele CA8025531.

ClinVar aggregate classification (germline): Uncertain significance. Review status: criteria provided, multiple submitters, no conflicts (2 of 4 stars). 2 submissions from 2 submitters: Uncertain significance (2). Last evaluated 2025-09-04.

Allele frequency attached by ClinVar (database versions not stated): gnomAD 0.00001; gnomAD exomes 0.00001; ExAC 0.00002; TOPMed 0.00002.

Submissions (2):

Ambry Genetics
Classification: Uncertain significance. Last evaluated: 2025-09-04. Review status: criteria provided, single submitter. Criteria: Ambry Variant Classification Scheme 2023. Collection method: clinical testing. Allele origin: germline.

Labcorp Genetics (formerly Invitae), Labcorp
Classification: Uncertain significance. Last evaluated: 2024-04-12. Review status: criteria provided, single submitter. Criteria: Invitae Variant Classification Sherloc (09022015). Collection method: clinical testing. Allele origin: germline.
Comment: This sequence change replaces valine, which is neutral and non-polar, with methionine, which is neutral and non-polar, at codon 464 of the ITGAM protein (p.Val464Met). This variant is present in population databases (rs760528465, gnomAD 0.003%). This variant has not been reported in the literature in individuals affected with ITGAM-related conditions. An algorithm developed to predict the effect of missense changes on protein structure and function (PolyPhen-2) suggests that this variant is likely to be disruptive. In summary, the available evidence is currently insufficient to determine the role of this variant in disease. Therefore, it has been classified as a Variant of Uncertain Significance.